The following is an entry in ClinVar:

ClinVar aggregate classification (germline): Uncertain significance. Review status: criteria provided, multiple submitters, no conflicts (2 of 4 stars). 4 submissions from 4 submitters: Uncertain significance (4). Last evaluated 2025-07-16.

Conditions:
Eichsfeld type congenital muscular dystrophy (CMYO3). Also called: MYOPATHY, SEPN1-RELATED; SELENON-related myopathy; Congenital myopathy 3 with rigid spine; Rigid spine muscular dystrophy 1. Identifiers: MedGen C0410180, MONDO:0100100, OMIM 602771.

Allele frequency attached by ClinVar (database versions not stated): gnomAD 0.00002; TOPMed 0.00002; ExAC 0.00004; gnomAD exomes 0.00006.
gnomAD v4.1: 33 of 1,614,070 alleles (0.002%); highest among the groups gnomAD compares: Admixed American, 0.017%; no homozygotes.

Submissions (4):

Mayo Clinic Laboratories, Mayo Clinic
Classification: Uncertain significance. Last evaluated: 2025-07-16. Review status: criteria provided, single submitter. Criteria: ACMG Guidelines, 2015. Collection method: clinical testing. Allele origin: germline. Observed: 1 variant allele.
Comment: BP4_moderate

Revvity Omics, Revvity
Classification: Uncertain significance for Eichsfeld type congenital muscular dystrophy. Last evaluated: 2023-03-15. Review status: criteria provided, single submitter. Criteria: ACMG Guidelines, 2015. Collection method: clinical testing. Allele origin: germline.

Labcorp Genetics (formerly Invitae), Labcorp
Classification: Uncertain significance for Eichsfeld type congenital muscular dystrophy. Last evaluated: 2022-06-27. Review status: criteria provided, single submitter. Criteria: Invitae Variant Classification Sherloc (09022015). Collection method: clinical testing. Allele origin: germline.
Comment: This sequence change replaces proline, which is neutral and non-polar, with leucine, which is neutral and non-polar, at codon 167 of the SELENON protein (p.Pro167Leu). This variant is present in population databases (rs747408056, gnomAD 0.02%). This variant has not been reported in the literature in individuals affected with SELENON-related conditions. ClinVar contains an entry for this variant (Variation ID: 839523). Algorithms developed to predict the effect of missense changes on protein structure and function (SIFT, PolyPhen-2, Align-GVGD) all suggest that this variant is likely to be tolerated. In summary, the available evidence is currently insufficient to determine the role of this variant in disease. Therefore, it has been classified as a Variant of Uncertain Significance.

GeneDx
Classification: Uncertain significance. Last evaluated: 2019-04-11. Review status: criteria provided, single submitter. Criteria: GeneDx Variant Classification Process June 2021. Collection method: clinical testing. Allele origin: germline. Affected: yes.
Comment: In silico analysis, which includes protein predictors and evolutionary conservation, supports that this variant does not alter protein structure/function; Has not been previously published as pathogenic or benign to our knowledge

NM_206926.2(SELENON):c.398C>T (p.Pro133Leu)

Gene: SELENON (selenoprotein N; plus strand). Cytogenetic location: 1p36.11.
Variant type: single nucleotide variant.
Coding change: c.398C>T on transcript NM_206926.2 (MANE Select); coding-DNA position 398, C replaced by T.
Protein change: p.Pro133Leu; replaces proline 133 with leucine.
Molecular consequence: missense variant.
Genome position (GRCh38, 1-based): chr1:25,805,238, C>T. VCF-style: chr1-25805238-C-T. GRCh37 (hg19) VCF-style: chr1-26131729-C-T.
Other names: p.Pro167Leu; c.500C>T, p.Pro167Leu (NM_020451.3); short protein forms P167L, P133L.
Identifiers: ClinVar variation 839523 (VCV000839523.8), dbSNP rs747408056, ClinGen allele CA696517.